The following is an entry in ClinVar:

NM_000236.3(LIPC):c.618C>A (p.Ser206Arg)

Gene: LIPC (lipase C, hepatic type; plus strand). Cytogenetic location: 15q21.3.
Variant type: single nucleotide variant.
Coding change: c.618C>A on transcript NM_000236.3 (MANE Select); coding-DNA position 618, C replaced by A.
Protein change: p.Ser206Arg; replaces serine 206 with arginine.
Molecular consequence: missense variant.
Genome position (GRCh38, 1-based): chr15:58,545,785, C>A. VCF-style: chr15-58545785-C-A. GRCh37 (hg19) VCF-style: chr15-58837984-C-A.
Other names: c.618C>A (NM_000236.2); short protein forms S206R.
Identifiers: ClinVar variation 2710897 (VCV002710897.4), dbSNP rs199615899, ClinGen allele CA7584943.

ClinVar aggregate classification (germline): Uncertain significance. Review status: criteria provided, multiple submitters, no conflicts (2 of 4 stars). 2 submissions from 2 submitters: Uncertain significance (2). Last evaluated 2025-07-02.

Allele frequency attached by ClinVar (database versions not stated): ExAC 0.00004; gnomAD exomes 0.00006; gnomAD 0.00013; TOPMed 0.00017.
gnomAD v4.1: 110 of 1,614,116 alleles (0.0068%); highest among the groups gnomAD compares: Admixed American, 0.017%; no homozygotes.

Submissions (2):

Labcorp Genetics (formerly Invitae), Labcorp
Classification: Uncertain significance. Last evaluated: 2025-07-02. Review status: criteria provided, single submitter. Criteria: Invitae Variant Classification Sherloc (09022015). Collection method: clinical testing. Allele origin: germline.
Comment: This sequence change replaces serine, which is neutral and polar, with arginine, which is basic and polar, at codon 206 of the LIPC protein (p.Ser206Arg). This variant is present in population databases (rs199615899, gnomAD 0.2%), and has an allele count higher than expected for a pathogenic variant. This variant has not been reported in the literature in individuals affected with LIPC-related conditions. ClinVar contains an entry for this variant (Variation ID: 2710897). Invitae Evidence Modeling of protein sequence and biophysical properties (such as structural, functional, and spatial information, amino acid conservation, physicochemical variation, residue mobility, and thermodynamic stability) indicates that this missense variant is not expected to disrupt LIPC protein function with a negative predictive value of 80%. In summary, the available evidence is currently insufficient to determine the role of this variant in disease. Therefore, it has been classified as a Variant of Uncertain Significance.

Ambry Genetics
Classification: Uncertain significance. Last evaluated: 2023-12-08. Review status: criteria provided, single submitter. Criteria: Ambry Variant Classification Scheme 2023. Collection method: clinical testing. Allele origin: germline.